The following is an entry in ClinVar:

ClinVar aggregate classification (germline): Uncertain significance (1 of 4 stars; one submission).

Submission:

GeneDx
Classification: Uncertain significance. Last evaluated: 2026-04-17. Review status: criteria provided, single submitter. Criteria: GeneDx Variant Classification Process June 2021. Collection method: clinical testing. Allele origin: germline.
Comment: Not observed at significant frequency in large population cohorts (gnomAD); In silico analysis supports that this missense variant has a deleterious effect on protein structure/function; Has not been previously published as pathogenic or benign to our knowledge; In silico analysis suggests this variant may impact gene splicing. In the absence of RNA/functional studies, the actual effect of this sequence change is unknown.; This variant is associated with the following publications: (PMID: 18409179)

NM_000489.6(ATRX):c.4957G>T (p.Val1653Phe)

Gene: ATRX (ATRX chromatin remodeler; minus strand). Cytogenetic location: Xq21.1.
Variant type: single nucleotide variant.
Coding change: c.4957G>T on transcript NM_000489.6 (MANE Select); coding-DNA position 4957, G replaced by T.
Protein change: p.Val1653Phe; replaces valine 1653 with phenylalanine.
Molecular consequence: missense variant.
Genome position (GRCh38, 1-based): chrX:77,633,384, C>A on the plus strand (G>T on the coding strand, the complement: ATRX is on the minus strand). VCF-style: chrX-77633384-C-A. GRCh37 (hg19) VCF-style: chrX-76888872-C-A.
Other names: c.4843G>T, p.Val1615Phe (NM_138270.5); short protein forms V1615F, V1653F.
Identifiers: ClinVar variation 5037080 (VCV005037080.1).